The following is an entry in ClinVar:

NM_001844.5(COL2A1):c.1058_1068dup (p.Gly357fs)

Gene: COL2A1 (collagen type II alpha 1 chain; minus strand). Cytogenetic location: 12q13.11.
Variant type: Duplication.
Coding change: c.1058_1068dup on transcript NM_001844.5 (MANE Select); coding-DNA positions 1058 to 1068, 11 bases duplicated (CAGGGCCTCCG).
Protein change: p.Gly357fs; shifts the reading frame from glycine 357.
Molecular consequence: frameshift variant.
Genome position (GRCh38, 1-based): chr12:47,989,761-47,989,771, CGGAGGCCCTG duplicated on the plus strand (CAGGGCCTCCG on the coding strand, the reverse complement: COL2A1 is on the minus strand); duplicating any 11 consecutive bases within chr12:47,989,761-47,989,774 gives the same sequence; the c. name uses the placement nearest the transcript's 3' end. VCF-style (leftmost placement, unchanged base first): chr12-47989760-C-CCGGAGGCCCTG. GRCh37 (hg19) VCF-style: chr12-48383543-C-CCGGAGGCCCTG.
Other names: c.851_861dup, p.Gly288fs (NM_033150.3); short protein forms G288fs, G357fs.
Identifiers: ClinVar variation 1299554 (VCV001299554.1), dbSNP rs2136590109, ClinGen allele CA2499221679.

ClinVar aggregate classification (germline): Likely pathogenic (1 of 4 stars; one submission).

Conditions:
Stickler syndrome type 1 (STL1). Also called: COL2A1-Related Stickler Syndrome; STICKLER SYNDROME, MEMBRANOUS VITREOUS TYPE; STICKLER SYNDROME, VITREOUS TYPE 1; ARTHROOPHTHALMOPATHY, HEREDITARY PROGRESSIVE. Identifiers: Orphanet 828, Orphanet 90653, MedGen C2020284, MONDO:0007160, OMIM 108300.

Submission:

Laboratory of Medical Genetics, National & Kapodistrian University of Athens
Classification: Likely pathogenic for Stickler syndrome type 1. Last evaluated: 2021-08-10. Review status: criteria provided, single submitter. Criteria: ACMG Guidelines, 2015. Collection method: clinical testing. Allele origin: unknown. Affected: yes.
Comment: PVS1, PM2, PP3